The following is an entry in ClinVar:

NM_025081.3(NYNRIN):c.1553C>T (p.Thr518Ile)

Gene: NYNRIN (NYN domain and retroviral integrase containing; plus strand). Cytogenetic location: 14q12.
Variant type: single nucleotide variant.
Coding change: c.1553C>T on transcript NM_025081.3 (MANE Select); coding-DNA position 1553, C replaced by T.
Protein change: p.Thr518Ile; replaces threonine 518 with isoleucine.
Molecular consequence: missense variant.
Genome position (GRCh38, 1-based): chr14:24,409,347, C>T. VCF-style: chr14-24409347-C-T. GRCh37 (hg19) VCF-style: chr14-24878553-C-T.
Other names: short protein forms T518I.
Identifiers: ClinVar variation 3409147 (VCV003409147.4).

ClinVar aggregate classification (germline): Uncertain significance. Review status: criteria provided, multiple submitters, no conflicts (2 of 4 stars). 3 submissions from 3 submitters: Uncertain significance (3). Last evaluated 2025-02-05.

Conditions:
Predisposition to Wilms tumor.

gnomAD v4.1: 74 of 1,613,956 alleles (0.0046%); highest among the groups gnomAD compares: Middle Eastern, 0.082%; no homozygotes.

Submissions (3):

St. Jude Molecular Pathology, St. Jude Children's Research Hospital
Classification: Uncertain significance for Predisposition to Wilms tumor. Last evaluated: 2025-02-05. Review status: criteria provided, single submitter. Criteria: St. Jude Assertion Criteria 2020. Collection method: clinical testing. Allele origin: germline.
Comment: The NYNRIN c.1553C>T (p.Thr518Ile) missense change has a maximum subpopulation frequency of 0.003% in gnomAD v2.1.1. The in silico tool REVEL predicts a benign effect on protein function, but to our knowledge this prediction has not been confirmed by functional studies. To our knowledge, this variant has not been reported in individuals with Wilms tumor. In summary, the evidence currently available is insufficient to determine the clinical significance of this variant. It has therefore been classified as of uncertain significance.

Labcorp Genetics (formerly Invitae), Labcorp
Classification: Uncertain significance. Last evaluated: 2024-12-02. Review status: criteria provided, single submitter. Criteria: Invitae Variant Classification Sherloc (09022015). Collection method: clinical testing. Allele origin: germline.
Comment: This sequence change replaces threonine, which is neutral and polar, with isoleucine, which is neutral and non-polar, at codon 518 of the NYNRIN protein (p.Thr518Ile). This variant is present in population databases (rs375391398, gnomAD 0.008%). This variant has not been reported in the literature in individuals affected with NYNRIN-related conditions. Experimental studies and prediction algorithms are not available or were not evaluated, and the functional significance of this variant is currently unknown. In summary, the available evidence is currently insufficient to determine the role of this variant in disease. Therefore, it has been classified as a Variant of Uncertain Significance.

Ambry Genetics
Classification: Uncertain significance. Last evaluated: 2024-08-05. Review status: criteria provided, single submitter. Criteria: Ambry Variant Classification Scheme 2023. Collection method: clinical testing. Allele origin: germline.